The following is an entry in ClinVar:

NM_031924.8(RSPH3):c.767G>A (p.Arg256Gln)

Gene: RSPH3 (radial spoke head 3; minus strand). Cytogenetic location: 6q25.3.
Variant type: single nucleotide variant.
Coding change: c.767G>A on transcript NM_031924.8 (MANE Select); coding-DNA position 767, G replaced by A.
Protein change: p.Arg256Gln; replaces arginine 256 with glutamine.
Molecular consequence: missense variant. On other transcripts: non-coding transcript variant (1).
Genome position (GRCh38, 1-based): chr6:158,980,866, C>T on the plus strand (G>A on the coding strand, the complement: RSPH3 is on the minus strand). VCF-style: chr6-158980866-C-T. GRCh37 (hg19) VCF-style: chr6-159401898-C-T.
Other names: p.Arg398Gln; c.1193G>A (NM_031924.6); c.905G>A, p.Arg302Gln (NM_001346418.1); short protein forms R302Q, R256Q.
Identifiers: ClinVar variation 475820 (VCV000475820.14), dbSNP rs10455840, ClinGen allele CA4075820.

ClinVar aggregate classification (germline): Benign/Likely benign. Review status: criteria provided, multiple submitters, no conflicts (2 of 4 stars). 5 submissions from 5 submitters: Benign (3); Likely benign (2). Last evaluated 2026-02-01.

Conditions:
Primary ciliary dyskinesia 32. Also called: CILIARY DYSKINESIA, PRIMARY, 32, WITHOUT SITUS INVERSUS. Identifiers: Orphanet 244, MedGen C4225311, MONDO:0014657, OMIM 616481.

Allele frequency attached by ClinVar (database versions not stated): 1000 Genomes Project 0.01418; 1000 Genomes Project 30x 0.01530; ExAC 0.01669; gnomAD exomes 0.01675 and 0.02176; gnomAD 0.01736 and 0.01819; TOPMed 0.01793; ESP Exome Variant Server 0.02007.

Submissions (5):

Labcorp Genetics (formerly Invitae), Labcorp
Classification: Benign for Primary ciliary dyskinesia 32. Last evaluated: 2026-02-01. Review status: criteria provided, single submitter. Criteria: Invitae Variant Classification Sherloc (09022015). Collection method: clinical testing. Allele origin: germline.

Mayo Clinic Laboratories, Mayo Clinic
Classification: Benign. Last evaluated: 2024-04-29. Review status: criteria provided, single submitter. Criteria: ACMG Guidelines, 2015. Collection method: clinical testing. Allele origin: germline. Observed: 9 variant alleles.
Comment: BS1, BS2, BP4_strong

ARUP Laboratories, Molecular Genetics and Genomics, ARUP Laboratories
Classification: Benign for Primary ciliary dyskinesia 32. Last evaluated: 2023-11-09. Review status: criteria provided, single submitter. Criteria: ARUP Molecular Germline Variant Investigation Process 2024. Collection method: clinical testing. Allele origin: germline.

GeneDx
Classification: Likely benign. Last evaluated: 2020-10-13. Review status: criteria provided, single submitter. Criteria: GeneDx Variant Classification Process June 2021. Collection method: clinical testing. Allele origin: germline. Affected: yes.

Breakthrough Genomics
Classification: Likely benign. Review status: criteria provided, single submitter. Criteria: ACMG Guidelines, 2015. Collection method: not provided. Allele origin: germline. Inheritance: Autosomal recessive inheritance. Affected: yes.